The following is an entry in ClinVar:

ClinVar aggregate classification (germline): Uncertain significance (1 of 4 stars; one submission).

Submission:

Ambry Genetics
Classification: Uncertain significance. Last evaluated: 2023-12-30. Review status: criteria provided, single submitter. Criteria: Ambry Variant Classification Scheme 2023. Collection method: clinical testing. Allele origin: germline.
Comment: The p.V608G variant (also known as c.1823T>G), located in coding exon 13 of the NPAT gene, results from a T to G substitution at nucleotide position 1823. The valine at codon 608 is replaced by glycine, an amino acid with dissimilar properties. This amino acid position is conserved. In addition, this alteration is predicted to be tolerated by in silico analysis. Since supporting evidence is limited at this time, the clinical significance of this alteration remains unclear.

NM_002519.3(NPAT):c.1823T>G (p.Val608Gly)

Gene: NPAT (nuclear protein, coactivator of histone transcription; minus strand). Cytogenetic location: 11q22.3.
Variant type: single nucleotide variant.
Coding change: c.1823T>G on transcript NM_002519.3 (MANE Select); coding-DNA position 1823, T replaced by G.
Protein change: p.Val608Gly; replaces valine 608 with glycine.
Molecular consequence: missense variant.
Genome position (GRCh38, 1-based): chr11:108,173,161, A>C on the plus strand (T>G on the coding strand, the complement: NPAT is on the minus strand). VCF-style: chr11-108173161-A-C. GRCh37 (hg19) VCF-style: chr11-108043888-A-C.
Other names: c.1823T>G, p.Val608Gly (NM_001321307.1); short protein forms V608G.
Identifiers: ClinVar variation 3222492 (VCV003222492.1), dbSNP rs35095430, ClinGen allele CA382514274.